The following is an entry in ClinVar:

NM_018263.6(ASXL2):c.4224C>G (p.Ile1408Met)

Gene: ASXL2 (ASXL transcriptional regulator 2; minus strand). Cytogenetic location: 2p23.3.
Variant type: single nucleotide variant.
Coding change: c.4224C>G on transcript NM_018263.6 (MANE Select); coding-DNA position 4224, C replaced by G.
Protein change: p.Ile1408Met; replaces isoleucine 1408 with methionine.
Molecular consequence: missense variant.
Genome position (GRCh38, 1-based): chr2:25,742,113, G>C on the plus strand (C>G on the coding strand, the complement: ASXL2 is on the minus strand). VCF-style: chr2-25742113-G-C. GRCh37 (hg19) VCF-style: chr2-25964982-G-C.
Other names: c.4050C>G, p.Ile1350Met (NM_001369346.1); c.3444C>G, p.Ile1148Met (NM_001369347.1); short protein forms I1350M, I1148M, I1408M.
Identifiers: ClinVar variation 2861777 (VCV002861777.3), dbSNP rs773069400, ClinGen allele CA346073624.
Genomic context (GRCh38, chr2:25,742,113, plus strand): 5'-GCACAGTTTGGAGGGGCCGATGCAATCATCATGGCAGAAAGCGCCACAGCCTTTGCACAT[G>C]ATCATGGCTTTCAAGCGGCAGTAACATTTCGAAGGCGTGCCCTCTATGCTGTTCTCTTCG-3'
Protein context (NP_060733.4, residues 1398-1418): SKCYCRLKAM[Ile1408Met]MCKGCGAFCH

ClinVar aggregate classification (germline): Uncertain significance (1 of 4 stars; one submission).

Submission:

Labcorp Genetics (formerly Invitae), Labcorp
Classification: Uncertain significance. Last evaluated: 2023-05-28. Review status: criteria provided, single submitter. Criteria: Invitae Variant Classification Sherloc (09022015). Collection method: clinical testing. Allele origin: germline.
Comment: In summary, the available evidence is currently insufficient to determine the role of this variant in disease. Therefore, it has been classified as a Variant of Uncertain Significance. Advanced modeling of protein sequence and biophysical properties (such as structural, functional, and spatial information, amino acid conservation, physicochemical variation, residue mobility, and thermodynamic stability) performed at Invitae indicates that this missense variant is not expected to disrupt ASXL2 protein function. This sequence change replaces isoleucine, which is neutral and non-polar, with methionine, which is neutral and non-polar, at codon 1408 of the ASXL2 protein (p.Ile1408Met). This variant has not been reported in the literature in individuals affected with ASXL2-related conditions. This variant is not present in population databases (gnomAD no frequency).